The following is an entry in ClinVar:

NM_139057.4(ADAMTS17):c.*1449G>A

Gene: ADAMTS17 (ADAM metallopeptidase with thrombospondin type 1 motif 17; minus strand). Cytogenetic location: 15q26.3.
Variant type: single nucleotide variant.
Coding change: c.*1449G>A on transcript NM_139057.4 (MANE Select); 1449 bases downstream of the stop codon, G replaced by A.
Molecular consequence: 3 prime UTR variant.
Genome position (GRCh38, 1-based): chr15:99,972,953, C>T on the plus strand (G>A on the coding strand, the complement: ADAMTS17 is on the minus strand). VCF-style: chr15-99972953-C-T. GRCh37 (hg19) VCF-style: chr15-100513158-C-T.
Other names: NC_000015.9:g.100513158C>T.
Identifiers: ClinVar variation 315184 (VCV000315184.7), dbSNP rs2573625, ClinGen allele CA10642833.

ClinVar aggregate classification (germline): Benign. Review status: criteria provided, multiple submitters, no conflicts (2 of 4 stars). 2 submissions from 2 submitters: Benign (2). Last evaluated 2018-01-13.

Conditions:
Weill-Marchesani 4 syndrome, recessive. Also called: Weill-Marchesani syndrome 4. Identifiers: Orphanet 363992, MedGen C2750787, MONDO:0013176, OMIM 613195.

Allele frequency attached by ClinVar (database versions not stated): gnomAD 0.61872 and 0.61427; gnomAD exomes 0.68750; 1000 Genomes Project 0.55611; 1000 Genomes Project 30x 0.56074; TOPMed 0.59724.
gnomAD v4.1: 93,373 of 152,046 alleles (61%); highest among the groups gnomAD compares: Non-Finnish European, 65%; 29,044 homozygotes.

Submissions (5):

Illumina Laboratory Services, Illumina
Classification: Benign for Weill-Marchesani 4 syndrome, recessive. Last evaluated: 2018-01-13. Review status: criteria provided, single submitter. Criteria: ICSL Variant Classification Criteria 13 December 2019. Collection method: clinical testing. Allele origin: germline.
Comment: This variant was observed in the ICSL laboratory as part of a predisposition screen in an ostensibly healthy population. It had not been previously curated by ICSL or reported in the Human Gene Mutation Database (HGMD: prior to June 1st, 2018), and was therefore a candidate for classification through an automated scoring system. Utilizing variant allele frequency, disease prevalence and penetrance estimates, and inheritance mode, an automated score was calculated to assess if this variant is too frequent to cause the disease. Based on the score and internal cut-off values, a variant classified as benign is not then subjected to further curation. The score for this variant resulted in a classification of benign for this disease.

Breakthrough Genomics
Classification: Benign. Review status: criteria provided, single submitter. Criteria: ACMG Guidelines, 2015. Collection method: not provided. Allele origin: germline. Inheritance: Autosomal recessive inheritance. Affected: yes.

Dr. Peter K. Rogan Lab, Western University
No classification provided (evidence only). Condition: Lung cancer. Review status: no classification provided. Collection method: in vitro. Allele origin: not applicable. Functional consequence: retained intron. Not counted in ClinVar's aggregate classification.

Dr. Peter K. Rogan Lab, Western University
No classification provided (evidence only). Condition: Cervical cancer. Review status: no classification provided. Collection method: in vitro. Allele origin: not applicable. Functional consequence: retained intron. Not counted in ClinVar's aggregate classification.

Dr. Peter K. Rogan Lab, Western University
No classification provided (evidence only). Condition: Sarcoma. Review status: no classification provided. Collection method: in vitro. Allele origin: not applicable. Functional consequence: retained intron. Not counted in ClinVar's aggregate classification.